The following is an entry in ClinVar:

ClinVar aggregate classification (germline): Uncertain significance (1 of 4 stars; one submission).

Conditions:
Hereditary cancer-predisposing syndrome. Also called: Tumor predisposition; Neoplastic Syndromes, Hereditary; Hereditary Cancer Syndrome; Hereditary neoplastic syndrome. Identifiers: Orphanet 140162, MedGen C0027672, MeSH D009386, MONDO:0015356.

Submission:

Ambry Genetics
Classification: Uncertain significance for Hereditary cancer-predisposing syndrome. Last evaluated: 2024-09-15. Review status: criteria provided, single submitter. Criteria: Ambry Variant Classification Scheme 2023. Collection method: clinical testing. Allele origin: germline.
Comment: The p.A295T variant (also known as c.883G>A), located in coding exon 8 of the EPCAM gene, results from a G to A substitution at nucleotide position 883. The alanine at codon 295 is replaced by threonine, an amino acid with similar properties. This amino acid position is conserved. In addition, this alteration is predicted to be tolerated by in silico analysis. Based on the available evidence, the clinical significance of this variant remains unclear.

NM_002354.3(EPCAM):c.883G>A (p.Ala295Thr)

Gene: EPCAM (epithelial cell adhesion molecule; plus strand). Cytogenetic location: 2p21.
Variant type: single nucleotide variant.
Coding change: c.883G>A on transcript NM_002354.3 (MANE Select); coding-DNA position 883, G replaced by A.
Protein change: p.Ala295Thr; replaces alanine 295 with threonine.
Molecular consequence: missense variant.
Genome position (GRCh38, 1-based): chr2:47,385,190, G>A. VCF-style: chr2-47385190-G-A. GRCh37 (hg19) VCF-style: chr2-47612329-G-A.
Other names: short protein forms A295T.
Identifiers: ClinVar variation 3509183 (VCV003509183.1).